The following is an entry in ClinVar:

ClinVar aggregate classification (germline): Uncertain significance (1 of 4 stars; one submission).

Conditions:
Schimke immuno-osseous dysplasia (SIOD). Also called: Schimke Immunoosseous Dysplasia. Identifiers: Orphanet 1830, MedGen C0877024, MONDO:0009458, OMIM 242900.

Submission:

Labcorp Genetics (formerly Invitae), Labcorp
Classification: Uncertain significance for Schimke immuno-osseous dysplasia. Last evaluated: 2022-03-01. Review status: criteria provided, single submitter. Criteria: Invitae Variant Classification Sherloc (09022015). Collection method: clinical testing. Allele origin: germline.
Comment: This sequence change replaces cysteine, which is neutral and slightly polar, with arginine, which is basic and polar, at codon 108 of the SMARCAL1 protein (p.Cys108Arg). This variant is not present in population databases (gnomAD no frequency). This variant has not been reported in the literature in individuals affected with SMARCAL1-related conditions. Algorithms developed to predict the effect of missense changes on protein structure and function are either unavailable or do not agree on the potential impact of this missense change (SIFT: "Tolerated"; PolyPhen-2: "Possibly Damaging"; Align-GVGD: "Class C0"). In summary, the available evidence is currently insufficient to determine the role of this variant in disease. Therefore, it has been classified as a Variant of Uncertain Significance.

NM_014140.4(SMARCAL1):c.322T>C (p.Cys108Arg)

Gene: SMARCAL1 (SNF2 related chromatin remodeling annealing helicase 1; plus strand). Cytogenetic location: 2q35.
Variant type: single nucleotide variant.
Coding change: c.322T>C on transcript NM_014140.4 (MANE Select); coding-DNA position 322, T replaced by C.
Protein change: p.Cys108Arg; replaces cysteine 108 with arginine.
Molecular consequence: missense variant.
Genome position (GRCh38, 1-based): chr2:216,415,026, T>C. VCF-style: chr2-216415026-T-C. GRCh37 (hg19) VCF-style: chr2-217279749-T-C.
Other names: c.322T>C, p.Cys108Arg (NM_001127207.2); short protein forms C108R.
Identifiers: ClinVar variation 1968981 (VCV001968981.2), dbSNP rs2469611065, ClinGen allele CA350497047.